The following is an entry in ClinVar:

NM_004183.4(BEST1):c.1457C>T (p.Pro486Leu)

Gene: BEST1 (bestrophin 1; plus strand). Cytogenetic location: 11q12.3.
Variant type: single nucleotide variant.
Coding change: c.1457C>T on transcript NM_004183.4 (MANE Select); coding-DNA position 1457, C replaced by T.
Protein change: p.Pro486Leu; replaces proline 486 with leucine.
Molecular consequence: missense variant. On other transcripts: non-coding transcript variant (1).
Genome position (GRCh38, 1-based): chr11:61,962,611, C>T. VCF-style: chr11-61962611-C-T. GRCh37 (hg19) VCF-style: chr11-61730083-C-T.
Other names: c.1277C>T, p.Pro426Leu (NM_001139443.3, NM_001300787.2); c.1196C>T, p.Pro399Leu (NM_001300786.2); c.1139C>T, p.Pro380Leu (NM_001363591.3); c.*352C>T (NM_001363592.2); c.485C>T, p.Pro162Leu (NM_001363593.3); short protein forms P486L, P399L, P426L, P162L, P380L.
Identifiers: ClinVar variation 305129 (VCV000305129.7), dbSNP rs886048428, ClinGen allele CA10638867.
Genomic context (GRCh38, chr11:61,962,611, plus strand): 5'-GTGCCCCACAGACGCCCCTCAGCCCCACTCCCATGTTCTTCCCCCTAGAACCATCAGCGC[C>T]GTCAAAGCTTCACAGTGTCACAGGCATAGACACCAAAGACAAAAGCTTAAAGACTGTGAG-3'
Protein context (NP_004174.1, residues 476-496): PMFFPLEPSA[Pro486Leu]SKLHSVTGID

ClinVar aggregate classification (germline): Uncertain significance. Review status: criteria provided, multiple submitters, no conflicts (2 of 4 stars). 5 submissions from 3 submitters: Uncertain significance (5). Last evaluated 2025-11-12.

Conditions:
Vitelliform macular dystrophy 2. Also called: Best vitelliform macular dystrophy, multifocal; Best Macular Dystrophy; MACULAR DEGENERATION, POLYMORPHIC VITELLINE; Best Vitelliform Macular Dystrophy (BVMD); VITELLIFORM MACULAR DYSTROPHY, EARLY-ONSET; VITELLIFORM MACULAR DYSTROPHY, JUVENILE-ONSET. Identifiers: Orphanet 1243, MedGen C2745945, MONDO:0007931, OMIM 153700.
Autosomal dominant vitreoretinochoroidopathy. Also called: VITREORETINOCHOROIDOPATHY, AUTOSOMAL DOMINANT, WITH NANOPHTHALMOS; Autosomal Dominant Vitreoretinochoroidopathy (ADVIRC); VITREORETINOCHOROIDOPATHY WITH MICROCORNEA, GLAUCOMA, AND CATARACT. Identifiers: Orphanet 263347, Orphanet 3086, MedGen C3888099, MONDO:0008662, OMIM 193220.
Retinitis pigmentosa (RP). Identifiers: Orphanet 791, MedGen C0035334, MeSH D012174, MONDO:0019200, OMIM 268000. Inheritance: Autosomal dominant, autosomal recessive and X linked inheritance.

Allele frequency attached by ClinVar (database versions not stated): gnomAD 0.00001; gnomAD exomes 0.00001; TOPMed 0.00007.

Submissions (5):

Labcorp Genetics (formerly Invitae), Labcorp
Classification: Uncertain significance. Last evaluated: 2025-11-12. Review status: criteria provided, single submitter. Criteria: Invitae Variant Classification Sherloc (09022015). Collection method: clinical testing. Allele origin: germline.
Comment: This sequence change replaces proline, which is neutral and non-polar, with leucine, which is neutral and non-polar, at codon 486 of the BEST1 protein (p.Pro486Leu). This variant is present in population databases (no rsID available, gnomAD 0.006%). This variant has not been reported in the literature in individuals affected with BEST1-related conditions. ClinVar contains an entry for this variant (Variation ID: 305129). An algorithm developed to predict the effect of missense changes on protein structure and function outputs the following: PolyPhen-2: "Benign". The leucine amino acid residue is found in multiple mammalian species, which suggests that this missense change does not adversely affect protein function. In summary, the available evidence is currently insufficient to determine the role of this variant in disease. Therefore, it has been classified as a Variant of Uncertain Significance.

Blueprint Genetics
Classification: Uncertain significance. Last evaluated: 2020-01-07. Review status: criteria provided, single submitter. Criteria: ACMG Guidelines, 2015. Collection method: clinical testing. Allele origin: germline.

Illumina Laboratory Services, Illumina
Classification: Uncertain significance for Vitelliform macular dystrophy 2. Last evaluated: 2018-01-12. Review status: criteria provided, single submitter. Criteria: ICSL Variant Classification Criteria 13 December 2019. Collection method: clinical testing. Allele origin: germline.

Illumina Laboratory Services, Illumina
Classification: Uncertain significance for Autosomal dominant vitreoretinochoroidopathy. Last evaluated: 2018-01-12. Review status: criteria provided, single submitter. Criteria: ICSL Variant Classification Criteria 13 December 2019. Collection method: clinical testing. Allele origin: germline.

Illumina Laboratory Services, Illumina
Classification: Uncertain significance for Retinitis pigmentosa. Last evaluated: 2018-01-12. Review status: criteria provided, single submitter. Criteria: ICSL Variant Classification Criteria 13 December 2019. Collection method: clinical testing. Allele origin: germline.